The following is an entry in ClinVar:

ClinVar aggregate classification (germline): Uncertain significance (1 of 4 stars; one submission).

Conditions:
Gorlin syndrome. Also called: Nevoid Basal Cell Carcinoma Syndrome; Basal cell nevus syndrome. Identifiers: Orphanet 377, MedGen C0004779, MONDO:0007187.
Medulloblastoma (MDB). Also called: Medulloblastoma, somatic; MEDULLOBLASTOMA PREDISPOSITION SYNDROME. Identifiers: Orphanet 616, MedGen C0025149, MeSH D008527, MONDO:0007959, OMIM 155255, HP:0002885.

Submission:

Labcorp Genetics (formerly Invitae), Labcorp
Classification: Uncertain significance for Gorlin syndrome; Medulloblastoma. Last evaluated: 2018-11-21. Review status: criteria provided, single submitter. Criteria: Invitae Variant Classification Sherloc (09022015). Collection method: clinical testing. Allele origin: germline.
Comment: In summary, the available evidence is currently insufficient to determine the role of this variant in disease. Therefore, it has been classified as a Variant of Uncertain Significance. Algorithms developed to predict the effect of missense changes on protein structure and function are either unavailable or do not agree on the potential impact of this missense change (SIFT: "Deleterious"; PolyPhen-2: "Possibly Damaging"; Align-GVGD: "Class C0"). This variant has not been reported in the literature in individuals with SUFU-related disease. This variant is not present in population databases (ExAC no frequency). This sequence change replaces serine with asparagine at codon 72 of the SUFU protein (p.Ser72Asn). The serine residue is highly conserved and there is a small physicochemical difference between serine and asparagine.

NM_016169.4(SUFU):c.215G>A (p.Ser72Asn)

Gene: SUFU (SUFU negative regulator of hedgehog signaling; plus strand). Cytogenetic location: 10q24.32.
Variant type: single nucleotide variant.
Coding change: c.215G>A on transcript NM_016169.4 (MANE Select); coding-DNA position 215, G replaced by A.
Protein change: p.Ser72Asn; replaces serine 72 with asparagine.
Molecular consequence: missense variant.
Genome position (GRCh38, 1-based): chr10:102,509,201, G>A. VCF-style: chr10-102509201-G-A. GRCh37 (hg19) VCF-style: chr10-104268958-G-A.
Other names: c.215G>A, p.Ser72Asn (NM_001178133.2); short protein forms S72N.
Identifiers: ClinVar variation 661261 (VCV000661261.9), dbSNP rs1589975269, ClinGen allele CA377888399.